The following is an entry in ClinVar:

ClinVar aggregate classification (germline): Uncertain significance. Review status: criteria provided, multiple submitters, no conflicts (2 of 4 stars). 3 submissions from 3 submitters: Uncertain significance (3). Last evaluated 2025-03-18.

Conditions:
Inborn genetic diseases. Identifiers: MedGen C0950123, MeSH D030342.
Hereditary spastic paraplegia 39 (SPG39). Also called: Spastic Paraplegia Type 39 (SPG39); SPASTIC PARAPLEGIA 39, AUTOSOMAL RECESSIVE. Identifiers: Orphanet 139480, MedGen C2677586, MONDO:0012787, OMIM 612020.

Allele frequency attached by ClinVar (database versions not stated): ExAC below 0.00001; gnomAD exomes below 0.00001.
gnomAD v4.1: 4 of 1,599,484 alleles (0.00025%); highest among the groups gnomAD compares: Non-Finnish European, 0.00034%; no homozygotes.

Submissions (3):

Ambry Genetics
Classification: Uncertain significance for Inborn genetic diseases. Last evaluated: 2025-03-18. Review status: criteria provided, single submitter. Criteria: Ambry Variant Classification Scheme 2023. Collection method: clinical testing. Allele origin: germline.

Labcorp Genetics (formerly Invitae), Labcorp
Classification: Uncertain significance for Hereditary spastic paraplegia 39. Last evaluated: 2022-06-20. Review status: criteria provided, single submitter. Criteria: Invitae Variant Classification Sherloc (09022015). Collection method: clinical testing. Allele origin: germline.
Comment: This sequence change replaces threonine, which is neutral and polar, with proline, which is neutral and non-polar, at codon 313 of the PNPLA6 protein (p.Thr313Pro). This variant is present in population databases (rs751885710, gnomAD 0.001%). This variant has not been reported in the literature in individuals affected with PNPLA6-related conditions. ClinVar contains an entry for this variant (Variation ID: 586348). Algorithms developed to predict the effect of missense changes on protein structure and function are either unavailable or do not agree on the potential impact of this missense change (SIFT: "Tolerated"; PolyPhen-2: "Possibly Damaging"; Align-GVGD: "Class C0"). In summary, the available evidence is currently insufficient to determine the role of this variant in disease. Therefore, it has been classified as a Variant of Uncertain Significance.

Athena Diagnostics
Classification: Uncertain significance. Last evaluated: 2017-09-01. Review status: criteria provided, single submitter. Criteria: Athena Diagnostics Criteria. Collection method: clinical testing. Allele origin: germline.

NM_001166114.2(PNPLA6):c.1054A>C (p.Thr352Pro)

Gene: PNPLA6 (patatin like domain 6, lysophospholipase; plus strand). Cytogenetic location: 19p13.2.
Variant type: single nucleotide variant.
Coding change: c.1054A>C on transcript NM_001166114.2 (MANE Select); coding-DNA position 1054, A replaced by C.
Protein change: p.Thr352Pro; replaces threonine 352 with proline.
Molecular consequence: missense variant.
Genome position (GRCh38, 1-based): chr19:7,541,570, A>C. VCF-style: chr19-7541570-A-C. GRCh37 (hg19) VCF-style: chr19-7606456-A-C.
Other names: c.937A>C (NM_006702.4); c.1081A>C, p.Thr361Pro (NM_001166111.2); c.937A>C, p.Thr313Pro (NM_001166112.2, NM_001166113.1, NM_006702.5); short protein forms T313P, T361P, T352P.
Identifiers: ClinVar variation 586348 (VCV000586348.8), dbSNP rs751885710, ClinGen allele CA9139666.